The following is an entry in ClinVar:

ClinVar aggregate classification (germline): Pathogenic/Likely pathogenic. Review status: criteria provided, multiple submitters, no conflicts (2 of 4 stars). 4 submissions from 4 submitters: Pathogenic (2); Likely pathogenic (1). 1 of the submissions does not count toward it. Last evaluated 2025-12-02.

Conditions:
Microcephaly, normal intelligence and immunodeficiency (NBS). Also called: IMMUNODEFICIENCY, MICROCEPHALY, AND CHROMOSOMAL INSTABILITY; Immunodeficiency, microcephaly with normal intelligence; SEEMANOVA SYNDROME II; Nijmegen breakage syndrome; Microcephaly with normal intelligence immunodeficiency and lymphoreticular malignancies; Nonsyndromal microcephaly autosomal recessive with normal intelligence. Identifiers: Orphanet 647, MedGen C0398791, MONDO:0009623, OMIM 251260.
Ovarian carcinoma. Identifiers: MedGen C4721610, MONDO:0005140, HP:0025318.

Submissions (4):

Natera, Inc.
Classification: Likely pathogenic for Nijmegen breakage syndrome. Last evaluated: 2025-12-02. Review status: criteria provided, single submitter. Criteria: Natera Variant Classification Schema (03/2026). Collection method: clinical testing. Allele origin: germline.
Comment: The c.1071dupA variant in NBN is a frameshift variant predicted to shift the reading frame beginning at codon 358 and leads to a stop codon 9 codons downstream. This variant is expected to result in nonsense mediated decay, truncation, or a dysfunctional protein product. This variant is rare in the general population with a frequency below the threshold expected for the associated phenotype(s). Given the available evidence, this variant is classified as Likely Pathogenic.

Myriad Genetics, Inc.
Classification: Pathogenic for Microcephaly, normal intelligence and immunodeficiency. Last evaluated: 2024-05-08. Review status: criteria provided, single submitter. Criteria: Myriad Autosomal Dominant, Autosomal Recessive and X-Linked Classification Criteria (2023). Collection method: clinical testing. Allele origin: unknown.
Comment: NM_002485.4(NBN):c.1071dupA(V358Sfs*9) is expected to be pathogenic in the context of Nijmegen breakage syndrome. This variant is predicted to lead to an abnormal or absent protein product due to the creation of a premature termination codon in NBN, a gene where loss-of-function variants are known to be pathogenic. Please note: this variant was assessed in the context of healthy population screening.

Labcorp Genetics (formerly Invitae), Labcorp
Classification: Pathogenic for Microcephaly, normal intelligence and immunodeficiency. Last evaluated: 2021-07-30. Review status: criteria provided, single submitter. Criteria: Invitae Variant Classification Sherloc (09022015). Collection method: clinical testing. Allele origin: germline.
Comment: This sequence change creates a premature translational stop signal (p.Val358Serfs*9) in the NBN gene. It is expected to result in an absent or disrupted protein product. Loss-of-function variants in NBN are known to be pathogenic (PMID: 9590180, 16415040). This variant is not present in population databases (ExAC no frequency). This variant has not been reported in the literature in individuals affected with NBN-related conditions. For these reasons, this variant has been classified as Pathogenic.

Medical Genetics Laboratory, Umraniye Training and Research Hospital, University of Health Sciences
Classification: Pathogenic for Ovarian carcinoma. Last evaluated: 2021-09-11. Review status: no assertion criteria provided. Collection method: clinical testing. Allele origin: germline. Inheritance: Autosomal dominant inheritance. Affected: yes. Observed: 1 heterozygote. Not counted in ClinVar's aggregate classification.

Literature cited by the submitters: PubMed 9590180 (cited by Labcorp Genetics (formerly Invitae), Labcorp); PubMed 16415040 (cited by Labcorp Genetics (formerly Invitae), Labcorp).

NM_002485.5(NBN):c.1071dup (p.Val358fs)

Gene: NBN (nibrin; minus strand). Cytogenetic location: 8q21.3.
Variant type: Duplication.
Coding change: c.1071dup on transcript NM_002485.5 (MANE Select); coding-DNA position 1071, one base duplicated (A; older notation c.1071dupA).
Protein change: p.Val358fs; shifts the reading frame from valine 358.
Molecular consequence: frameshift variant.
Genome position (GRCh38, 1-based): chr8:89,958,778, T duplicated on the plus strand (A on the coding strand, the reverse complement: NBN is on the minus strand). VCF-style (leftmost placement, unchanged base first): chr8-89958777-C-CT. GRCh37 (hg19) VCF-style: chr8-90971005-C-CT.
Other names: c.825dup, p.Val276fs (NM_001024688.3); short protein forms V276fs, V358fs.
Identifiers: ClinVar variation 1244221 (VCV001244221.10), dbSNP rs2129745554, ClinGen allele CA2499219428.